The following is an entry in ClinVar:

NM_001127649.3(PEX26):c.354del (p.Val120fs)

Gene: PEX26 (peroxisomal biogenesis factor 26; plus strand). Cytogenetic location: 22q11.21.
Variant type: Deletion.
Coding change: c.354del on transcript NM_001127649.3 (MANE Select); coding-DNA position 354, one base deleted (C; older notation c.354delC).
Protein change: p.Val120fs; shifts the reading frame from valine 120.
Molecular consequence: frameshift variant.
Genome position (GRCh38, 1-based): chr22:18,079,997, C deleted; the last of 6 consecutive C bases (chr22:18,079,992-18,079,997); deleting any one gives the same sequence. VCF-style (leftmost placement, unchanged base first): chr22-18079991-AC-A. GRCh37 (hg19) VCF-style: chr22-18562757-AC-A.
Other names: c.354del, p.Val120fs (NM_001199319.2, NM_017929.6); short protein forms V120fs.
Identifiers: ClinVar variation 954945 (VCV000954945.9), dbSNP rs1926487809, ClinGen allele CA1139666953.

ClinVar aggregate classification (germline): Pathogenic/Likely pathogenic. Review status: criteria provided, multiple submitters, no conflicts (2 of 4 stars). 3 submissions from 3 submitters: Pathogenic (1); Likely pathogenic (2). Last evaluated 2024-10-11.

Conditions:
Peroxisome biogenesis disorder 7A (Zellweger). Also called: Peroxisome biogenesis disorder 7A. Identifiers: Orphanet 912, MedGen C3888385, MONDO:0013938, OMIM 614872.
Peroxisome biogenesis disorder 7B (PBD7B). Identifiers: Orphanet 44, MedGen C3553951, MONDO:0013939, OMIM 614873.

Submissions (3):

Labcorp Genetics (formerly Invitae), Labcorp
Classification: Pathogenic for Peroxisome biogenesis disorder 7A (Zellweger); Peroxisome biogenesis disorder 7B. Last evaluated: 2024-10-11. Review status: criteria provided, single submitter. Criteria: Invitae Variant Classification Sherloc (09022015). Collection method: clinical testing. Allele origin: germline.
Comment: This sequence change creates a premature translational stop signal (p.Val120Serfs*61) in the PEX26 gene. It is expected to result in an absent or disrupted protein product. Loss-of-function variants in PEX26 are known to be pathogenic (PMID: 12851857, 21031596). This variant is not present in population databases (gnomAD no frequency). This variant has not been reported in the literature in individuals affected with PEX26-related conditions. ClinVar contains an entry for this variant (Variation ID: 954945). For these reasons, this variant has been classified as Pathogenic.

Fulgent Genetics
Classification: Likely pathogenic for Peroxisome biogenesis disorder 7A (Zellweger); Peroxisome biogenesis disorder 7B. Last evaluated: 2024-06-16. Review status: criteria provided, single submitter. Criteria: ACMG Guidelines, 2015. Collection method: clinical testing. Allele origin: germline.

Baylor Genetics
Classification: Likely pathogenic for Peroxisome biogenesis disorder 7A (Zellweger). Last evaluated: 2023-05-29. Review status: criteria provided, single submitter. Criteria: ACMG Guidelines, 2015. Collection method: clinical testing. Allele origin: unknown.

Literature cited by the submitters: PubMed 12851857 (cited by Labcorp Genetics (formerly Invitae), Labcorp); PubMed 21031596 (cited by Labcorp Genetics (formerly Invitae), Labcorp).